The following is an entry in ClinVar:

ClinVar aggregate classification (germline): Pathogenic (1 of 4 stars; one submission).

Conditions:
Primary ciliary dyskinesia. Also called: Ciliary dyskinesia. Identifiers: Orphanet 244, MedGen C0008780, MONDO:0016575, HP:0012265.

Submission:

Labcorp Genetics (formerly Invitae), Labcorp
Classification: Pathogenic for Primary ciliary dyskinesia. Last evaluated: 2022-09-01. Review status: criteria provided, single submitter. Criteria: Invitae Variant Classification Sherloc (09022015). Collection method: clinical testing. Allele origin: germline.
Comment: For these reasons, this variant has been classified as Pathogenic. This premature translational stop signal has been observed in individual(s) with primary ciliary dyskinesia (PMID: 34210339). This variant is not present in population databases (gnomAD no frequency). This sequence change creates a premature translational stop signal (p.Trp2604*) in the DNAH11 gene. It is expected to result in an absent or disrupted protein product. Loss-of-function variants in DNAH11 are known to be pathogenic (PMID: 18022865, 20513915, 22184204).

Literature cited by the submitters: PubMed 34210339; PubMed 18022865; PubMed 20513915; PubMed 22184204.

NM_001277115.2(DNAH11):c.7812G>A (p.Trp2604Ter)

Gene: DNAH11 (dynein axonemal heavy chain 11; plus strand). Cytogenetic location: 7p15.3.
Variant type: single nucleotide variant.
Coding change: c.7812G>A on transcript NM_001277115.2 (MANE Select); coding-DNA position 7812, G replaced by A.
Protein change: p.Trp2604Ter; replaces tryptophan 2604 with a stop codon.
Molecular consequence: nonsense.
Genome position (GRCh38, 1-based): chr7:21,739,571, G>A. VCF-style: chr7-21739571-G-A. GRCh37 (hg19) VCF-style: chr7-21779189-G-A.
Other names: c.7833G>A, p.Trp2611Ter (NM_003777.3); short protein forms W2611*, W2604*.
Identifiers: ClinVar variation 2062070 (VCV002062070.4), dbSNP rs2535099086, ClinGen allele CA366950759.